The following is an entry in ClinVar:

ClinVar aggregate classification (germline): Benign/Likely benign. Review status: criteria provided, multiple submitters, no conflicts (2 of 4 stars). 3 submissions from 3 submitters: Benign (1); Likely benign (1). 1 of the submissions does not count toward it. Last evaluated 2024-11-18.

Conditions:
RAD21-related disorder. Also called: RAD21-related condition; RAD21- Related disorders.
Cornelia de Lange syndrome 4 (CDLS4). Also called: RAD21-Related Cornelia de Lange Syndrome; CORNELIA DE LANGE SYNDROME 4 WITH OR WITHOUT MIDLINE BRAIN DEFECTS. Identifiers: Orphanet 199, MedGen C3553517, MONDO:0013864, OMIM 614701.

Allele frequency attached by ClinVar (database versions not stated): gnomAD 0.00001; TOPMed 0.00001; gnomAD exomes 0.00003; ExAC 0.00014; 1000 Genomes Project 30x 0.00031; 1000 Genomes Project 0.00040.
gnomAD v4.1: 41 of 1,613,568 alleles (0.0025%); highest among the groups gnomAD compares: South Asian, 0.043%; no homozygotes.

Submissions (3):

Labcorp Genetics (formerly Invitae), Labcorp
Classification: Benign for Cornelia de Lange syndrome 4. Last evaluated: 2024-11-18. Review status: criteria provided, single submitter. Criteria: Invitae Variant Classification Sherloc (09022015). Collection method: clinical testing. Allele origin: germline.

Blueprint Genetics
Classification: Likely benign. Last evaluated: 2023-10-18. Review status: criteria provided, single submitter. Criteria: ACMG Guidelines, 2015. Collection method: clinical testing. Allele origin: germline.

PreventionGenetics, part of Exact Sciences
Classification: Likely benign for RAD21-related condition. Last evaluated: 2023-06-15. Review status: no assertion criteria provided. Collection method: clinical testing. Allele origin: germline. Not counted in ClinVar's aggregate classification.
Comment: This variant is classified as likely benign based on ACMG/AMP sequence variant interpretation guidelines (Richards et al. 2015 PMID: 25741868, with internal and published modifications).

NM_006265.3(RAD21):c.1131T>C (p.Ala377=)

Gene: RAD21 (RAD21 cohesin complex component; minus strand). Cytogenetic location: 8q24.11.
Variant type: single nucleotide variant.
Coding change: c.1131T>C on transcript NM_006265.3 (MANE Select); coding-DNA position 1131, T replaced by C.
Protein change: p.Ala377=; no amino-acid change (alanine 377 retained).
Molecular consequence: synonymous variant.
Genome position (GRCh38, 1-based): chr8:116,854,275, A>G on the plus strand (T>C on the coding strand, the complement: RAD21 is on the minus strand). VCF-style: chr8-116854275-A-G. GRCh37 (hg19) VCF-style: chr8-117866514-A-G.
Identifiers: ClinVar variation 3061503 (VCV003061503.5), dbSNP rs547750022, ClinGen allele CA4852917.